The following is an entry in ClinVar:

ClinVar aggregate classification (germline): Likely pathogenic (1 of 4 stars; one submission).

Conditions:
Capillary malformation-arteriovenous malformation syndrome. Also called: Capillary malformation-arteriovenous malformation. Identifiers: Orphanet 137667, MedGen C1842180, MONDO:0012016.

Submission:

Labcorp Genetics (formerly Invitae), Labcorp
Classification: Likely pathogenic for Capillary malformation-arteriovenous malformation syndrome. Last evaluated: 2025-07-08. Review status: criteria provided, single submitter. Criteria: Invitae Variant Classification Sherloc (09022015). Collection method: clinical testing. Allele origin: germline.
Comment: This variant results in the deletion of part of exon 17 (c.2185-1_2196del) of the RASA1 gene. It is expected to disrupt RNA splicing. Variants that disrupt the donor or acceptor splice site typically lead to a loss of protein function (PMID: 16199547), and loss-of-function variants in RASA1 are known to be pathogenic (PMID: 24038909). This variant is not present in population databases (gnomAD no frequency). This variant has been observed in individual(s) with RASA1-related conditions (internal data). In summary, the currently available evidence indicates that the variant is pathogenic, but additional data are needed to prove that conclusively. Therefore, this variant has been classified as Likely Pathogenic.

Literature cited by the submitters: PubMed 16199547; PubMed 24038909.

NM_002890.3(RASA1):c.2185-1_2196del

Genes: CCNH (cyclin H; minus strand), RASA1 (RAS p21 protein activator 1; plus strand). Cytogenetic location: 5q14.3.
Variant type: Deletion.
Coding change: c.2185-1_2196del on transcript NM_002890.3 (MANE Select); the canonical splice acceptor site of the intron before coding-DNA position 2185 through coding-DNA position 2196, 13 bases deleted (GCTTATACTGCAA).
Molecular consequence: splice acceptor variant. On other transcripts: intron variant (1).
Genome position (GRCh38, 1-based): chr5:87,376,880-87,376,892, GCTTATACTGCAA deleted; deleting any 13 consecutive bases within chr5:87,376,879-87,376,892 gives the same sequence; the c. name uses the placement nearest the transcript's 3' end. VCF-style (leftmost placement, unchanged base first): chr5-87376878-TAGCTTATACTGCA-T. GRCh37 (hg19) VCF-style: chr5-86672695-TAGCTTATACTGCA-T.
Other names: c.1654-1_1665del (NM_022650.3); c.933+18153_933+18165del (NM_001364075.2).
Identifiers: ClinVar variation 4722853 (VCV004722853.1).